The following is an entry in ClinVar:

NM_001563.4(IMPG1):c.995G>T (p.Ser332Ile)

Gene: IMPG1 (interphotoreceptor matrix proteoglycan 1; minus strand). Cytogenetic location: 6q14.1.
Variant type: single nucleotide variant.
Coding change: c.995G>T on transcript NM_001563.4 (MANE Select); coding-DNA position 995, G replaced by T.
Protein change: p.Ser332Ile; replaces serine 332 with isoleucine.
Molecular consequence: missense variant.
Genome position (GRCh38, 1-based): chr6:76,005,427, C>A on the plus strand (G>T on the coding strand, the complement: IMPG1 is on the minus strand). VCF-style: chr6-76005427-C-A. GRCh37 (hg19) VCF-style: chr6-76715144-C-A.
Other names: c.995G>T (NM_001563.2); c.761G>T, p.Ser254Ile (NM_001282368.2); short protein forms S254I, S332I.
Identifiers: ClinVar variation 1002895 (VCV001002895.9), dbSNP rs201523889, ClinGen allele CA3898250.
Genomic context (GRCh38, chr6:76,005,427, plus strand): 5'-GCTGTGAGATAGATTTCTGGTTGCTTGTCCTCCTCCATGGTTCCATGATAGACTTCCTCA[C>A]TTTCAATTTTGTTGGAATCAAAAGACAGGAGGTCACTTGCAGGGCTTTTTGCTTCTGCAC-3'
Protein context (NP_001554.2, residues 322-342): LLSFDSNKIE[Ser332Ile]EEVYHGTMEE

ClinVar aggregate classification (germline): Uncertain significance. Review status: criteria provided, multiple submitters, no conflicts (2 of 4 stars). 3 submissions from 3 submitters: Uncertain significance (3). Last evaluated 2025-01-06.

Allele frequency attached by ClinVar (database versions not stated): gnomAD 0.00002 and 0.00003; ExAC 0.00003; gnomAD exomes 0.00006; 1000 Genomes Project 0.00020; 1000 Genomes Project 30x 0.00031.
gnomAD v4.1: 22 of 1,614,048 alleles (0.0014%); highest among the groups gnomAD compares: Admixed American, 0.027%; no homozygotes.

Submissions (3):

Labcorp Genetics (formerly Invitae), Labcorp
Classification: Uncertain significance. Last evaluated: 2025-01-06. Review status: criteria provided, single submitter. Criteria: Invitae Variant Classification Sherloc (09022015). Collection method: clinical testing. Allele origin: germline.
Comment: This sequence change replaces serine, which is neutral and polar, with isoleucine, which is neutral and non-polar, at codon 332 of the IMPG1 protein (p.Ser332Ile). This variant is present in population databases (rs201523889, gnomAD 0.04%). This variant has not been reported in the literature in individuals affected with IMPG1-related conditions. ClinVar contains an entry for this variant (Variation ID: 1002895). An algorithm developed to predict the effect of missense changes on protein structure and function (PolyPhen-2) suggests that this variant is likely to be disruptive. In summary, the available evidence is currently insufficient to determine the role of this variant in disease. Therefore, it has been classified as a Variant of Uncertain Significance.

Blueprint Genetics
Classification: Uncertain significance. Last evaluated: 2024-09-19. Review status: criteria provided, single submitter. Criteria: ACMG Guidelines, 2015. Collection method: clinical testing. Allele origin: germline.

Ambry Genetics
Classification: Uncertain significance. Last evaluated: 2023-07-12. Review status: criteria provided, single submitter. Criteria: Ambry Variant Classification Scheme 2023. Collection method: clinical testing. Allele origin: germline.